The following is an entry in ClinVar:

NM_004562.3(PRKN):c.208G>A (p.Val70Met)

Gene: PRKN (parkin RBR E3 ubiquitin protein ligase; minus strand). Cytogenetic location: 6q26.
Variant type: single nucleotide variant.
Coding change: c.208G>A on transcript NM_004562.3 (MANE Select); coding-DNA position 208, G replaced by A.
Protein change: p.Val70Met; replaces valine 70 with methionine.
Molecular consequence: missense variant. On other transcripts: intron variant (1).
Genome position (GRCh38, 1-based): chr6:162,262,729, C>T on the plus strand (G>A on the coding strand, the complement: PRKN is on the minus strand). VCF-style: chr6-162262729-C-T. GRCh37 (hg19) VCF-style: chr6-162683761-C-T.
Other names: c.208G>A, p.Val70Met (NM_013987.3); c.171+180581G>A (NM_013988.3); short protein forms V70M.
Identifiers: ClinVar variation 1313728 (VCV001313728.2), dbSNP rs899299169, ClinGen allele CA151118933.

ClinVar aggregate classification (germline): Uncertain significance (1 of 4 stars; one submission).

gnomAD v4.1: 1 of 1,587,232 alleles (0.000063%); highest among the groups gnomAD compares: Non-Finnish European, 0.000085%; no homozygotes.

Submission:

GeneDx
Classification: Uncertain significance. Last evaluated: 2020-12-11. Review status: criteria provided, single submitter. Criteria: GeneDx Variant Classification Process June 2021. Collection method: clinical testing. Allele origin: germline. Affected: yes.
Comment: Not observed in large population cohorts (Lek et al., 2016); In silico analysis supports that this missense variant does not alter protein structure/function; Has not been previously published as pathogenic or benign to our knowledge